The following is an entry in ClinVar:

ClinVar aggregate classification (germline): Uncertain significance (1 of 4 stars; one submission).

Conditions:
Congenital muscular dystrophy due to integrin alpha-7 deficiency. Also called: MYOPATHY, CONGENITAL, DUE TO INTEGRIN ALPHA-7 DEFICIENCY; Congenital muscular dystrophy with integrin alpha-7 deficiency; Muscular dystrophy, congenital, due to ITGA7 deficiency. Identifiers: Orphanet 34520, MedGen C2750786, MONDO:0013177, OMIM 613204.

Submission:

Labcorp Genetics (formerly Invitae), Labcorp
Classification: Uncertain significance for Congenital muscular dystrophy due to integrin alpha-7 deficiency. Last evaluated: 2022-10-24. Review status: criteria provided, single submitter. Criteria: Invitae Variant Classification Sherloc (09022015). Collection method: clinical testing. Allele origin: germline.
Comment: ClinVar contains an entry for this variant (Variation ID: 998995). In summary, the available evidence is currently insufficient to determine the role of this variant in disease. Therefore, it has been classified as a Variant of Uncertain Significance. Variants that disrupt the consensus splice site are a relatively common cause of aberrant splicing (PMID: 17576681, 9536098). Algorithms developed to predict the effect of sequence changes on RNA splicing suggest that this variant may disrupt the consensus splice site. This variant has not been reported in the literature in individuals affected with ITGA7-related conditions. This variant is not present in population databases (gnomAD no frequency). This sequence change falls in intron 6 of the ITGA7 gene. It does not directly change the encoded amino acid sequence of the ITGA7 protein. It affects a nucleotide within the consensus splice site.

Literature cited by the submitters: PubMed 17576681; PubMed 9536098.

NM_002206.3(ITGA7):c.998+5G>T

Gene: ITGA7 (integrin subunit alpha 7; minus strand). Cytogenetic location: 12q13.2.
Variant type: single nucleotide variant.
Coding change: c.998+5G>T on transcript NM_002206.3 (MANE Select); 5 bases into the intron after coding-DNA position 998, G replaced by T.
Molecular consequence: intron variant.
Genome position (GRCh38, 1-based): chr12:55,698,705, C>A on the plus strand (G>T on the coding strand, the complement: ITGA7 is on the minus strand). VCF-style: chr12-55698705-C-A. GRCh37 (hg19) VCF-style: chr12-56092489-C-A.
Other names: c.719+5G>T (NM_001144997.2); c.671+5G>T (NM_001367993.1); c.659+5G>T (NM_001414035.1); c.815+5G>T (NM_001414033.1); c.-295+5G>T (NM_001367994.1); c.878+5G>T (NM_001414032.1); c.998+5G>T (NM_001414031.1, NM_001374465.1, NM_001414034.1); c.1010+5G>T (NM_001414030.1, NM_001414029.1, NM_001144996.2); and 1 more.
Identifiers: ClinVar variation 998995 (VCV000998995.7), dbSNP rs931442936, ClinGen allele CA237575149.